The following is an entry in ClinVar:

NM_144670.6(A2ML1):c.2119+56T>C

Gene: A2ML1 (alpha-2-macroglobulin like 1; plus strand). Cytogenetic location: 12p13.31.
Variant type: single nucleotide variant.
Coding change: c.2119+56T>C on transcript NM_144670.6 (MANE Select); 56 bases into the intron after coding-DNA position 2119, T replaced by C.
Molecular consequence: intron variant.
Genome position (GRCh38, 1-based): chr12:8,849,815, T>C. VCF-style: chr12-8849815-T-C. GRCh37 (hg19) VCF-style: chr12-9002411-T-C.
Other names: c.646+56T>C (NM_001282424.3).
Identifiers: ClinVar variation 561677 (VCV000561677.1), dbSNP rs115248347, ClinGen allele CA232684274.
Genomic context (GRCh38, chr12:8,849,815, plus strand): 5'-GGGTGGTAAGCCACCTCTGTGGTCTGTGGATTCTCTGAGATGTTAACAGTCCTGGAACTC[T>C]GCAGATTTCCTCTTGCCTCCTGTTCTTGCACTGAGCCTCTAGCCCGAGAATGCTAATGGG-3'

ClinVar aggregate classification (germline): Likely benign (1 of 4 stars; one submission).

Allele frequency attached by ClinVar (database versions not stated): gnomAD exomes 0.00033; ESP Exome Variant Server 0.00329; 1000 Genomes Project 0.00359; TOPMed 0.00394; gnomAD 0.00410 and 0.00441; 1000 Genomes Project 30x 0.00453.
gnomAD v4.1: 1,084 of 1,533,776 alleles (0.071%); highest among the groups gnomAD compares: African/African-American, 1.4%; 8 homozygotes.

Submission:

GeneDx
Classification: Likely benign. Last evaluated: 2018-06-14. Review status: criteria provided, single submitter. Criteria: GeneDx Variant Classification (06012015). Collection method: clinical testing. Allele origin: germline. Affected: yes.
Comment: This variant is considered likely benign or benign based on one or more of the following criteria: it is a conservative change, it occurs at a poorly conserved position in the protein, it is predicted to be benign by multiple in silico algorithms, and/or has population frequency not consistent with disease.